The following is an entry in ClinVar:

ClinVar aggregate classification (germline): Pathogenic (1 of 4 stars; one submission).

Submission:

Labcorp Genetics (formerly Invitae), Labcorp
Classification: Pathogenic. Last evaluated: 2022-06-13. Review status: criteria provided, single submitter. Criteria: Invitae Variant Classification Sherloc (09022015). Collection method: clinical testing. Allele origin: germline.
Comment: For these reasons, this variant has been classified as Pathogenic. This variant has not been reported in the literature in individuals affected with PDE6A-related conditions. This variant is not present in population databases (gnomAD no frequency). This sequence change creates a premature translational stop signal (p.Tyr437*) in the PDE6A gene. It is expected to result in an absent or disrupted protein product. Loss-of-function variants in PDE6A are known to be pathogenic (PMID: 7493036, 22128245, 23847139).

Literature cited by the submitters: PubMed 7493036; PubMed 22128245; PubMed 23847139.

NM_000440.3(PDE6A):c.1311T>A (p.Tyr437Ter)

Gene: PDE6A (phosphodiesterase 6A; minus strand). Cytogenetic location: 5q32.
Variant type: single nucleotide variant.
Coding change: c.1311T>A on transcript NM_000440.3 (MANE Select); coding-DNA position 1311, T replaced by A.
Protein change: p.Tyr437Ter; replaces tyrosine 437 with a stop codon.
Molecular consequence: nonsense.
Genome position (GRCh38, 1-based): chr5:149,898,459, A>T on the plus strand (T>A on the coding strand, the complement: PDE6A is on the minus strand). VCF-style: chr5-149898459-A-T. GRCh37 (hg19) VCF-style: chr5-149278022-A-T.
Other names: c.1068T>A, p.Tyr356Ter (NM_001410788.1); short protein forms Y356*, Y437*.
Identifiers: ClinVar variation 2005855 (VCV002005855.4), dbSNP rs2480574461, ClinGen allele CA361696262.
Genomic context (GRCh38, chr5:149,898,459, plus strand): 5'-ATGATATTTTACTATGTCCTGGAAAATATCCTTCCTATTTTCAAGTTTATTCATTGACTC[A>T]TAGGTGTCAGGATTTAAGACAGACCAGCCCAGAAATTGAGTCAAAGACTGAAAAAGAAAG-3'